The following is an entry in ClinVar:

NM_182641.4(BPTF):c.3302del (p.Asn1101fs)

Gene: BPTF (bromodomain PHD finger transcription factor; plus strand). Cytogenetic location: 17q24.2.
Variant type: Deletion.
Coding change: c.3302del on transcript NM_182641.4 (MANE Select); coding-DNA position 3302, one base deleted (A; older notation c.3302delA).
Protein change: p.Asn1101fs; shifts the reading frame from asparagine 1101.
Molecular consequence: frameshift variant.
Genome position (GRCh38, 1-based): chr17:67,911,186, A deleted; the last of 6 consecutive A bases (chr17:67,911,181-67,911,186); deleting any one gives the same sequence. VCF-style (leftmost placement, unchanged base first): chr17-67911180-CA-C. GRCh37 (hg19) VCF-style: chr17-65907296-CA-C.
Other names: c.3680del, p.Asn1227fs (NM_004459.7); short protein forms N1227fs, N1101fs.
Identifiers: ClinVar variation 817342 (VCV000817342.1), dbSNP rs1598599641, ClinGen allele CA915952217.

ClinVar aggregate classification (germline): Pathogenic (1 of 4 stars; one submission).

Submission:

GeneDx
Classification: Pathogenic. Last evaluated: 2018-12-04. Review status: criteria provided, single submitter. Criteria: GeneDx Variant Classification (06012015). Collection method: clinical testing. Allele origin: germline. Affected: yes.
Comment: The c.3680delA pathogenic variant in the BPTF gene causes a frameshift starting with codon Asparagine 1227, changes this amino acid to an Isoleucine residue and creates a premature Stop codon at position 7 of the new reading frame, denoted p.Asn1227IlefsX7. This pathogenic variant is predicted to cause loss of normal protein function either through protein truncation or nonsense-mediated mRNA decay. The c.3680delA variant is not observed in large population cohorts (Lek et al., 2016).